The following is an entry in ClinVar:

NM_052867.4(NALCN):c.3162+4A>G

Gene: NALCN (sodium leak channel, non-selective; minus strand). Cytogenetic location: 13q33.1.
Variant type: single nucleotide variant.
Coding change: c.3162+4A>G on transcript NM_052867.4 (MANE Select); 4 bases into the intron after coding-DNA position 3162, A replaced by G.
Molecular consequence: intron variant.
Genome position (GRCh38, 1-based): chr13:101,100,780, T>C on the plus strand (A>G on the coding strand, the complement: NALCN is on the minus strand). VCF-style: chr13-101100780-T-C. GRCh37 (hg19) VCF-style: chr13-101753131-T-C.
Other names: c.3075+4A>G (NM_001350751.2, NM_001350750.2); c.3162+4A>G (NM_001350749.2); c.3249+4A>G (NM_001350748.2).
Identifiers: ClinVar variation 3606269 (VCV003606269.3).

ClinVar aggregate classification (germline): Uncertain significance. Review status: criteria provided, multiple submitters, no conflicts (2 of 4 stars). 2 submissions from 2 submitters: Uncertain significance (2). Last evaluated 2025-02-06.

gnomAD v4.1: 9 of 1,603,554 alleles (0.00056%); highest among the groups gnomAD compares: Admixed American, 0.015%; no homozygotes.

Submissions (2):

GeneDx
Classification: Uncertain significance. Last evaluated: 2025-02-06. Review status: criteria provided, single submitter. Criteria: GeneDx Variant Classification Process June 2021. Collection method: clinical testing. Allele origin: germline. Affected: yes.
Comment: In silico analysis indicates that this variant does not alter splicing; Has not been previously published as pathogenic or benign to our knowledge

Labcorp Genetics (formerly Invitae), Labcorp
Classification: Uncertain significance. Last evaluated: 2024-07-23. Review status: criteria provided, single submitter. Criteria: Invitae Variant Classification Sherloc (09022015). Collection method: clinical testing. Allele origin: germline.
Comment: This sequence change falls in intron 27 of the NALCN gene. It does not directly change the encoded amino acid sequence of the NALCN protein. It affects a nucleotide within the consensus splice site. This variant is present in population databases (rs756175057, gnomAD 0.01%). This variant has not been reported in the literature in individuals affected with NALCN-related conditions. Variants that disrupt the consensus splice site are a relatively common cause of aberrant splicing (PMID: 17576681, 9536098). Algorithms developed to predict the effect of sequence changes on RNA splicing suggest that this variant is not likely to affect RNA splicing. In summary, the available evidence is currently insufficient to determine the role of this variant in disease. Therefore, it has been classified as a Variant of Uncertain Significance.

Literature cited by the submitters: PubMed 17576681 (cited by Labcorp Genetics (formerly Invitae), Labcorp); PubMed 9536098 (cited by Labcorp Genetics (formerly Invitae), Labcorp).